The following is an entry in ClinVar:

NM_001197104.2(KMT2A):c.9922A>C (p.Ser3308Arg)

Gene: KMT2A (lysine methyltransferase 2A; plus strand). Cytogenetic location: 11q23.3.
Variant type: single nucleotide variant.
Coding change: c.9922A>C on transcript NM_001197104.2 (MANE Select); coding-DNA position 9922, A replaced by C.
Protein change: p.Ser3308Arg; replaces serine 3308 with arginine.
Molecular consequence: missense variant.
Genome position (GRCh38, 1-based): chr11:118,505,814, A>C. VCF-style: chr11-118505814-A-C. GRCh37 (hg19) VCF-style: chr11-118376529-A-C.
Other names: c.10012A>C, p.Ser3338Arg (NM_001412597.1); c.9913A>C, p.Ser3305Arg (NM_005933.4); short protein forms S3308R, S3305R, S3338R.
Identifiers: ClinVar variation 2776485 (VCV002776485.3), dbSNP rs782269485, ClinGen allele CA6304654.

ClinVar aggregate classification (germline): Uncertain significance (1 of 4 stars; one submission).

Allele frequency attached by ClinVar (database versions not stated): ExAC 0.00001.

Submission:

Labcorp Genetics (formerly Invitae), Labcorp
Classification: Uncertain significance. Last evaluated: 2024-01-28. Review status: criteria provided, single submitter. Criteria: Invitae Variant Classification Sherloc (09022015). Collection method: clinical testing. Allele origin: germline.
Comment: This sequence change replaces serine, which is neutral and polar, with arginine, which is basic and polar, at codon 3308 of the KMT2A protein (p.Ser3308Arg). This variant is not present in population databases (gnomAD no frequency). This variant has not been reported in the literature in individuals affected with KMT2A-related conditions. Advanced modeling of protein sequence and biophysical properties (such as structural, functional, and spatial information, amino acid conservation, physicochemical variation, residue mobility, and thermodynamic stability) performed at Invitae indicates that this missense variant is not expected to disrupt KMT2A protein function with a negative predictive value of 95%. In summary, the available evidence is currently insufficient to determine the role of this variant in disease. Therefore, it has been classified as a Variant of Uncertain Significance.